The following is an entry in ClinVar:

ClinVar aggregate classification (germline): Uncertain significance. Review status: criteria provided, multiple submitters, no conflicts (2 of 4 stars). 2 submissions from 2 submitters: Uncertain significance (2). Last evaluated 2025-04-10.

Conditions:
CSMD1-related disorder. Also called: CSMD1-related condition.

gnomAD v4.1: 15 of 1,613,842 alleles (0.00093%); highest among the groups gnomAD compares: African/African-American, 0.0013%; no homozygotes.

Submissions (2):

Ambry Genetics
Classification: Uncertain significance. Last evaluated: 2025-04-10. Review status: criteria provided, single submitter. Criteria: Ambry Variant Classification Scheme 2023. Collection method: clinical testing. Allele origin: germline.

PreventionGenetics, part of Exact Sciences
Classification: Uncertain significance for CSMD1-related condition. Last evaluated: 2024-10-10. Review status: criteria provided, single submitter. Criteria: ACMG Guidelines, 2015. Collection method: clinical testing. Allele origin: germline.
Comment: The CSMD1 c.2209A>G variant is predicted to result in the amino acid substitution p.Thr737Ala. To our knowledge, this variant has not been reported in the literature. This variant is reported in 0.0016% of alleles in individuals of European (non-Finnish) descent in gnomAD. At this time, the clinical significance of this variant is uncertain due to the absence of conclusive functional and genetic evidence.

NM_033225.6(CSMD1):c.2209A>G (p.Thr737Ala)

Gene: CSMD1 (CUB and Sushi multiple domains 1; minus strand). Cytogenetic location: 8p23.2.
Variant type: single nucleotide variant.
Coding change: c.2209A>G on transcript NM_033225.6 (MANE Select); coding-DNA position 2209, A replaced by G.
Protein change: p.Thr737Ala; replaces threonine 737 with alanine.
Molecular consequence: missense variant.
Genome position (GRCh38, 1-based): chr8:3,406,084, T>C on the plus strand (A>G on the coding strand, the complement: CSMD1 is on the minus strand). VCF-style: chr8-3406084-T-C. GRCh37 (hg19) VCF-style: chr8-3263606-T-C.
Other names: short protein forms T737A.
Identifiers: ClinVar variation 4007378 (VCV004007378.2).